The following is an entry in ClinVar:

NM_004006.3(DMD):c.1513G>C (p.Val505Leu)

Gene: DMD (dystrophin; minus strand). Cytogenetic location: Xp21.1.
Variant type: single nucleotide variant.
Coding change: c.1513G>C on transcript NM_004006.3 (MANE Select); coding-DNA position 1513, G replaced by C.
Protein change: p.Val505Leu; replaces valine 505 with leucine.
Molecular consequence: missense variant.
Genome position (GRCh38, 1-based): chrX:32,595,846, C>G on the plus strand (G>C on the coding strand, the complement: DMD is on the minus strand). VCF-style: chrX-32595846-C-G. GRCh37 (hg19) VCF-style: chrX-32613963-C-G.
Other names: p.V505L:GTC>CTC; c.1489G>C, p.Val497Leu (NM_000109.4); c.1501G>C, p.Val501Leu (NM_004009.3); c.1144G>C, p.Val382Leu (NM_004010.3); short protein forms V501L, V497L, V382L.
Identifiers: ClinVar variation 94471 (VCV000094471.43), dbSNP rs140340626, ClinGen allele CA147808.

ClinVar aggregate classification (germline): Benign/Likely benign. Review status: criteria provided, multiple submitters, no conflicts (2 of 4 stars). 19 submissions from 18 submitters: Benign (8); Likely benign (6). 5 of the submissions do not count toward it. Last evaluated 2026-02-01.

Conditions:
Cardiovascular phenotype. Identifiers: MedGen CN230736.
Cardiomyopathy (CMYO). Also called: Cardiomyopathies. Identifiers: Orphanet 167848, MedGen C0878544, MONDO:0004994, HP:0001638. Inheritance: Various modes of inheritance.
Becker muscular dystrophy (BMD). Also called: MUSCULAR DYSTROPHY, PSEUDOHYPERTROPHIC PROGRESSIVE, BECKER TYPE; Becker Muscular Dystrophy (BMD). Identifiers: Orphanet 98895, MedGen C0917713, MONDO:0010311, OMIM 300376.
Duchenne muscular dystrophy (DMD). Also called: Duchenne Muscular Dystrophy (DMD); MUSCULAR DYSTROPHY, PSEUDOHYPERTROPHIC PROGRESSIVE, DUCHENNE TYPE. Identifiers: Orphanet 98896, MedGen C0013264, MONDO:0010679, OMIM 310200.
Dystrophin deficiency.
DMD-related disorder. Also called: DMD-related condition.
Dilated cardiomyopathy 3B (CMD3B). Also called: CMD3B: DMD-Related Dilated Cardiomyopathy; CARDIOMYOPATHY, DILATED, X-LINKED; DMD-Associated Dilated Cardiomyopathy. Identifiers: Orphanet 154, MedGen C3668940, MONDO:0010542, OMIM 302045.
Mitochondrial disease. Also called: Mitochondrial disorder; Mitochondrial disorders. Identifiers: Orphanet 68380, MedGen C0751651, MeSH D028361, MONDO:0044970.
Restrictive cardiomyopathy. Identifiers: Orphanet 217632, MedGen C0007196, MeSH D002313, MONDO:0005201, HP:0001723.
Intellectual disability. Also called: Intellectual functioning disability; Intellectual developmental disorder; intellectual disabilities. Identifiers: MedGen C3714756, MeSH D008607, MONDO:0001071, HP:0001249.

Allele frequency attached by ClinVar (database versions not stated): gnomAD 0.00110 and 0.00113; gnomAD exomes 0.00116; ExAC 0.00117; TOPMed 0.00117; ESP Exome Variant Server 0.00133; 1000 Genomes Project 30x 0.00146; 1000 Genomes Project 0.00159.
gnomAD v4.1: 1,854 of 1,197,840 alleles (0.15%); highest among the groups gnomAD compares: Middle Eastern, 0.25%; 1 homozygote.

Submissions (19):

Labcorp Genetics (formerly Invitae), Labcorp
Classification: Likely benign for Duchenne muscular dystrophy. Last evaluated: 2026-02-01. Review status: criteria provided, single submitter. Criteria: Invitae Variant Classification Sherloc (09022015). Collection method: clinical testing. Allele origin: germline.

Molecular Diagnostic Laboratory for Inherited Cardiovascular Disease, Montreal Heart Institute
Classification: Likely benign. Last evaluated: 2025-04-09. Review status: criteria provided, single submitter. Criteria: ACMG Guidelines, 2015. Collection method: clinical testing. Allele origin: germline. Affected: no.

Mayo Clinic Laboratories, Mayo Clinic
Classification: Benign. Last evaluated: 2025-03-19. Review status: criteria provided, single submitter. Criteria: ACMG Guidelines, 2015. Collection method: clinical testing. Allele origin: germline. Observed: 4 variant alleles.
Comment: BS1, BS2, BP4_moderate

Blueprint Genetics
Classification: Likely benign. Last evaluated: 2024-11-28. Review status: criteria provided, single submitter. Criteria: ACMG Guidelines, 2015. Collection method: clinical testing. Allele origin: germline.

Women's Health and Genetics/Laboratory Corporation of America, LabCorp
Classification: Likely benign. Last evaluated: 2021-10-21. Review status: criteria provided, single submitter. Criteria: LabCorp Variant Classification Summary - May 2015. Collection method: clinical testing. Allele origin: germline.

GeneDx
Classification: Benign. Last evaluated: 2020-07-23. Review status: criteria provided, single submitter. Criteria: GeneDx Variant Classification Process June 2021. Collection method: clinical testing. Allele origin: germline. Affected: yes.
Comment: This variant is associated with the following publications: (PMID: 15643612, 14695533, 31443951)

ARUP Laboratories, Molecular Genetics and Genomics, ARUP Laboratories
Classification: Benign. Last evaluated: 2020-02-27. Review status: criteria provided, single submitter. Criteria: ARUP Molecular Germline Variant Investigation Process. Collection method: clinical testing. Allele origin: germline.

Cambridge Genomics Laboratory, East Genomic Laboratory Hub, NHS Genomic Medicine Service
Classification: Benign for Intellectual disability. Last evaluated: 2019-04-24. Review status: criteria provided, single submitter. Criteria: ACGS Best Practice Guidelines for Variant Classification in Rare Disease 2020. Collection method: clinical testing. Allele origin: germline. Affected: yes. Observed: 1 variant allele.

Cambridge Genomics Laboratory, East Genomic Laboratory Hub, NHS Genomic Medicine Service
Classification: Benign for Mitochondrial disease. Last evaluated: 2019-04-17. Review status: criteria provided, single submitter. Criteria: ACGS Best Practice Guidelines for Variant Classification in Rare Disease 2020. Collection method: clinical testing. Allele origin: germline. Affected: yes. Observed: 1 variant allele.

Ambry Genetics
Classification: Likely benign for Cardiovascular phenotype. Last evaluated: 2019-03-29. Review status: criteria provided, single submitter. Criteria: Ambry Variant Classification Scheme 2023. Collection method: clinical testing. Allele origin: germline.

Center for Advanced Laboratory Medicine, UC San Diego Health, University of California San Diego
Classification: Benign for Restrictive cardiomyopathy. Last evaluated: 2018-01-03. Review status: criteria provided, single submitter. Criteria: ACMG Guidelines, 2015. Collection method: clinical testing. Allele origin: germline. Affected: yes. Observed: 1 variant allele.

Illumina Laboratory Services, Illumina
Classification: Benign for Dilated cardiomyopathy 3B. Last evaluated: 2017-04-28. Review status: criteria provided, single submitter. Criteria: ICSL Variant Classification Criteria 13 December 2019. Collection method: clinical testing. Allele origin: germline.
Comment: This variant was observed as part of a predisposition screen in an ostensibly healthy population. A literature search was performed for the gene, cDNA change, and amino acid change (where applicable). Publications were found based on this search. The evidence from the literature, in combination with allele frequency data from public databases where available, was sufficient to rule this variant out of causing disease. Therefore, this variant is classified as benign.

Eurofins Ntd Llc (ga)
Classification: Benign. Last evaluated: 2013-05-31. Review status: criteria provided, single submitter. Criteria: EGL Classification Definitions 2015. Collection method: clinical testing. Allele origin: germline. Observed: 2 variant alleles, 1 heterozygote, 1 homozygote.

Breakthrough Genomics
Classification: Likely benign. Review status: criteria provided, single submitter. Criteria: ACMG Guidelines, 2015. Collection method: not provided. Allele origin: germline. Inheritance: X-linked inheritance. Affected: yes.

PreventionGenetics, part of Exact Sciences
Classification: Likely benign for DMD-related condition. Last evaluated: 2020-02-25. Review status: no assertion criteria provided. Collection method: clinical testing. Allele origin: germline. Not counted in ClinVar's aggregate classification.
Comment: This variant is classified as likely benign based on ACMG/AMP sequence variant interpretation guidelines (Richards et al. 2015 PMID: 25741868, with internal and published modifications).

Natera, Inc.
Classification: Likely benign for Becker muscular dystrophy; Cardiomyopathy; Duchenne muscular dystrophy; Dystrophin deficiency. Last evaluated: 2017-08-09. Review status: no assertion criteria provided. Collection method: clinical testing. Allele origin: germline. Not counted in ClinVar's aggregate classification.

Clinical Genetics DNA and cytogenetics Diagnostics Lab, Erasmus MC, Erasmus Medical Center
Classification: Likely benign. Review status: no assertion criteria provided. Collection method: clinical testing. Allele origin: germline. Affected: yes. Study: VKGL Data-share Consensus. Not counted in ClinVar's aggregate classification.

Genome Diagnostics Laboratory, University Medical Center Utrecht
Classification: Likely benign. Review status: no assertion criteria provided. Collection method: clinical testing. Allele origin: germline. Affected: yes. Study: VKGL Data-share Consensus. Not counted in ClinVar's aggregate classification.

Laboratory of Diagnostic Genome Analysis, Leiden University Medical Center (LUMC)
Classification: Likely benign. Review status: no assertion criteria provided. Collection method: clinical testing. Allele origin: germline. Affected: yes. Study: VKGL Data-share Consensus. Not counted in ClinVar's aggregate classification.

Literature cited by the submitters: PubMed 14695533 (cited by Illumina Laboratory Services, Illumina); PubMed 15643612 (cited by Illumina Laboratory Services, Illumina).